The following is an entry in ClinVar:

NM_152296.5(ATP1A3):c.1106G>T (p.Gly369Val)

Gene: ATP1A3 (ATPase Na+/K+ transporting subunit alpha 3; minus strand). Cytogenetic location: 19q13.2.
Variant type: single nucleotide variant.
Coding change: c.1106G>T on transcript NM_152296.5 (MANE Select); coding-DNA position 1106, G replaced by T.
Protein change: p.Gly369Val; replaces glycine 369 with valine.
Molecular consequence: missense variant.
Genome position (GRCh38, 1-based): chr19:41,981,994, C>A on the plus strand (G>T on the coding strand, the complement: ATP1A3 is on the minus strand). VCF-style: chr19-41981994-C-A. GRCh37 (hg19) VCF-style: chr19-42486146-C-A.
Other names: c.1139G>T, p.Gly380Val (NM_001256213.2); c.1145G>T, p.Gly382Val (NM_001256214.2); short protein forms G369V, G380V, G382V.
Identifiers: ClinVar variation 4685087 (VCV004685087.1).

ClinVar aggregate classification (germline): Likely pathogenic (1 of 4 stars; one submission).

Submission:

GeneDx
Classification: Likely pathogenic. Last evaluated: 2025-07-07. Review status: criteria provided, single submitter. Criteria: GeneDx Variant Classification Process June 2021. Collection method: clinical testing. Allele origin: germline. Affected: yes.
Comment: Not observed at significant frequency in large population cohorts (gnomAD); In silico analysis supports that this missense variant has a deleterious effect on protein structure/function; Has not been previously published as pathogenic or benign to our knowledge